The following is an entry in ClinVar:

ClinVar aggregate classification (germline): Likely benign (1 of 4 stars; one submission).

gnomAD v4.1: 527 of 1,614,180 alleles (0.033%); highest among the groups gnomAD compares: East Asian, 1.1%; 7 homozygotes.

Submission:

CeGaT Center for Human Genetics Tuebingen
Classification: Likely benign. Last evaluated: 2024-12-01. Review status: criteria provided, single submitter. Criteria: CeGaT Center For Human Genetics Tuebingen Variant Classification Criteria Version 2. Collection method: clinical testing. Allele origin: germline. Affected: yes. Observed: 1 variant allele.
Comment: RC3H1: BP4, BS1

NM_172071.4(RC3H1):c.1440A>G (p.Glu480=)

Gene: RC3H1 (ring finger and CCCH-type domains 1; minus strand). Cytogenetic location: 1q25.1.
Variant type: single nucleotide variant.
Coding change: c.1440A>G on transcript NM_172071.4 (MANE Select); coding-DNA position 1440, A replaced by G.
Protein change: p.Glu480=; no amino-acid change (glutamic acid 480 retained).
Molecular consequence: synonymous variant.
Genome position (GRCh38, 1-based): chr1:173,965,015, T>C on the plus strand (A>G on the coding strand, the complement: RC3H1 is on the minus strand). VCF-style: chr1-173965015-T-C. GRCh37 (hg19) VCF-style: chr1-173934153-T-C.
Other names: c.1440A>G, p.Glu480= (NM_001300850.1, NM_001300851.1, NM_001300852.1).
Identifiers: ClinVar variation 3770996 (VCV003770996.13).